The following is an entry in ClinVar:

ClinVar aggregate classification (germline): Likely pathogenic (1 of 4 stars; one submission).

Conditions:
SIN3A-related intellectual disability syndrome due to a point mutation. Also called: 15q24 Microdeletion Syndrome; WITTEVEEN-KOLK SYNDROME. Identifiers: Orphanet 500166, Orphanet 94065, MedGen C4310804, MONDO:0044700, OMIM 613406.

Submission:

3billion
Classification: Likely pathogenic for SIN3A-related intellectual disability syndrome due to a point mutation. Last evaluated: 2024-09-08. Review status: criteria provided, single submitter. Criteria: ACMG Guidelines, 2015. Collection method: clinical testing. Allele origin: germline. Affected: yes.
Comment: The variant is not observed in the gnomAD v4.0.0 dataset. Predicted Consequence/Location: Stop-gained (nonsense): predicted to result in a loss or disruption of normal protein function through nonsense-mediated decay (NMD) or protein truncation. Multiple pathogenic variants are reported downstream of the variant. Therefore, this variant is classified as Likely pathogenic according to the recommendation of ACMG/AMP guideline.

NM_001145358.2(SIN3A):c.387T>A (p.Tyr129Ter)

Gene: SIN3A (SIN3 transcription regulator family member A; minus strand). Cytogenetic location: 15q24.2.
Variant type: single nucleotide variant.
Coding change: c.387T>A on transcript NM_001145358.2 (MANE Select); coding-DNA position 387, T replaced by A.
Protein change: p.Tyr129Ter; replaces tyrosine 129 with a stop codon.
Molecular consequence: nonsense.
Genome position (GRCh38, 1-based): chr15:75,414,291, A>T on the plus strand (T>A on the coding strand, the complement: SIN3A is on the minus strand). VCF-style: chr15-75414291-A-T. GRCh37 (hg19) VCF-style: chr15-75706632-A-T.
Other names: c.387T>A, p.Tyr129Ter (NM_001145357.2, NM_001437462.1, NM_001437463.1 and 1 more transcripts); short protein forms Y129*.
Identifiers: ClinVar variation 4293722 (VCV004293722.1).